The following is an entry in ClinVar:

ClinVar aggregate classification (germline): Benign/Likely benign. Review status: criteria provided, multiple submitters, no conflicts (2 of 4 stars). 5 submissions from 5 submitters: Benign (1); Likely benign (2). 2 of the submissions do not count toward it. Last evaluated 2026-01-25.

Conditions:
Cardiovascular phenotype. Identifiers: MedGen CN230736.
Duchenne muscular dystrophy (DMD). Also called: MUSCULAR DYSTROPHY, PSEUDOHYPERTROPHIC PROGRESSIVE, DUCHENNE TYPE; Duchenne Muscular Dystrophy (DMD). Identifiers: Orphanet 98896, MedGen C0013264, MONDO:0010679, OMIM 310200.
DMD-related disorder. Also called: DMD-related condition.
Becker muscular dystrophy (BMD). Also called: MUSCULAR DYSTROPHY, PSEUDOHYPERTROPHIC PROGRESSIVE, BECKER TYPE; Becker Muscular Dystrophy (BMD). Identifiers: Orphanet 98895, MedGen C0917713, MONDO:0010311, OMIM 300376.
Cardiomyopathy (CMYO). Also called: Cardiomyopathies. Identifiers: Orphanet 167848, MedGen C0878544, MONDO:0004994, HP:0001638. Inheritance: Various modes of inheritance.
Dystrophin deficiency.

Allele frequency attached by ClinVar (database versions not stated): gnomAD 0.00005 and 0.00006; TOPMed 0.00006; ESP Exome Variant Server 0.00009.
gnomAD v4.1: 119 of 1,208,165 alleles (0.0098%); highest among the groups gnomAD compares: Non-Finnish European, 0.012%; no homozygotes.

Submissions (5):

Labcorp Genetics (formerly Invitae), Labcorp
Classification: Benign for Duchenne muscular dystrophy. Last evaluated: 2026-01-25. Review status: criteria provided, single submitter. Criteria: Invitae Variant Classification Sherloc (09022015). Collection method: clinical testing. Allele origin: germline.

GeneDx
Classification: Likely benign. Last evaluated: 2020-10-14. Review status: criteria provided, single submitter. Criteria: GeneDx Variant Classification Process June 2021. Collection method: clinical testing. Allele origin: germline. Affected: yes.

Ambry Genetics
Classification: Likely benign for Cardiovascular phenotype. Last evaluated: 2018-09-13. Review status: criteria provided, single submitter. Criteria: Ambry Variant Classification Scheme 2023. Collection method: clinical testing. Allele origin: germline.

Natera, Inc.
Classification: Likely benign for Becker muscular dystrophy; Cardiomyopathy; Duchenne muscular dystrophy; Dystrophin deficiency. Last evaluated: 2019-06-27. Review status: no assertion criteria provided. Collection method: clinical testing. Allele origin: germline. Not counted in ClinVar's aggregate classification.

PreventionGenetics, part of Exact Sciences
Classification: Likely benign for DMD-related condition. Last evaluated: 2019-03-25. Review status: no assertion criteria provided. Collection method: clinical testing. Allele origin: germline. Not counted in ClinVar's aggregate classification.
Comment: This variant is classified as likely benign based on ACMG/AMP sequence variant interpretation guidelines (Richards et al. 2015 PMID: 25741868, with internal and published modifications).

NM_004006.3(DMD):c.1824G>A (p.Ala608=)

Gene: DMD (dystrophin; minus strand). Cytogenetic location: Xp21.1.
Variant type: single nucleotide variant.
Coding change: c.1824G>A on transcript NM_004006.3 (MANE Select); coding-DNA position 1824, G replaced by A.
Protein change: p.Ala608=; no amino-acid change (alanine 608 retained).
Molecular consequence: synonymous variant.
Genome position (GRCh38, 1-based): chrX:32,565,870, C>T on the plus strand (G>A on the coding strand, the complement: DMD is on the minus strand). VCF-style: chrX-32565870-C-T. GRCh37 (hg19) VCF-style: chrX-32583987-C-T.
Other names: c.1800G>A, p.Ala600= (NM_000109.4); c.1812G>A, p.Ala604= (NM_004009.3); c.1455G>A, p.Ala485= (NM_004010.3).
Identifiers: ClinVar variation 377775 (VCV000377775.18), dbSNP rs151013182, ClinGen allele CA10379705.
Genomic context (GRCh38, chrX:32,565,870, plus strand): 5'-AAGAAGATCTTGTTTGAGTGAATACAGTTTGCCCATGGATTGCTTTTTCTTTTCTAGATC[C>T]GCTTTTAAAACCTGTTAAAACAAGAAAGATCACAGAATAAGCCTGGGTTGCATTCCATAC-3'
Protein context (NP_003997.2, residues 598-618): SSLQKLAVLK[Ala608=]DLEKKKQSMG